The following is an entry in ClinVar:

NM_000284.4(PDHA1):c.419-2A>G

Gene: PDHA1 (pyruvate dehydrogenase E1 subunit alpha 1; plus strand). Cytogenetic location: Xp22.12.
Variant type: single nucleotide variant.
Coding change: c.419-2A>G on transcript NM_000284.4 (MANE Select); the canonical splice acceptor site of the intron before coding-DNA position 419, A replaced by G.
Molecular consequence: splice acceptor variant.
Genome position (GRCh38, 1-based): chrX:19,353,080, A>G. VCF-style: chrX-19353080-A-G. GRCh37 (hg19) VCF-style: chrX-19371198-A-G.
Other names: NC_000023.10:g.19371198A>G; c.533-2A>G (NM_001173454.2); c.440-2A>G (NM_001173455.2); c.419-2A>G (NM_001173456.2).
Identifiers: ClinVar variation 4070318 (VCV004070318.2).

ClinVar aggregate classification (germline): Pathogenic (0 of 4 stars; one submission).

Conditions:
Pyruvate dehydrogenase E1-alpha deficiency (PDHAD). Also called: ATAXIA, INTERMITTENT, WITH PYRUVATE DEHYDROGENASE DEFICIENCY; ATAXIA WITH LACTIC ACIDOSIS I; ATAXIA, INTERMITTENT, WITH ABNORMAL PYRUVATE METABOLISM; Ataxia, intermittent, with pyruvate dehydrogenase, or decarboxylase, deficiency. Identifiers: Orphanet 79243, MedGen C1839413, MONDO:0010717, OMIM 312170.

Submissions (2):

PDHA1 Study Group, University Children’s Hospital, Paracelsus Medical University
Classification: Pathogenic for Pyruvate dehydrogenase E1-alpha deficiency. Last evaluated: 2024-10-15. Review status: no assertion criteria provided. Collection method: research. Allele origin: germline. Affected: yes. Observed: 1 variant allele.
Comment: The NM_000284.3:c.419-2A>G (p.?) variant affects splicing in PDHA1 gene. The variant has been reported in 1 published case (PMIDs: 38600369). Last literature search: July 12, 2024. This variant is absent or extremely rare in population-based cohorts in the Genome Aggregation Database (gnomAD). Individuals harboring this variant presented with clinical features compatible with PDHA1-related PDHc deficiency. In summary, this variant meets criteria to be classified as pathogenic (P) for PDHA1-related PDHc deficiency based on the ACMG/AMP criteria applied: PVS1, PM2, PM7, PP3 (last assessment October 15, 2024).

Dr. Peter K. Rogan Lab, Western University
No classification provided (evidence only). Condition: Thyroid cancer, nonmedullary, 1. Review status: no classification provided. Collection method: in vitro. Allele origin: not applicable. Functional consequence: skipped exon, retained intron. Not counted in ClinVar's aggregate classification.

Literature cited by the submitters: PubMed 38600369 (cited by PDHA1 Study Group, University Children’s Hospital, Paracelsus Medical University); DOI 10.1093/brain/awaf430 (cited by PDHA1 Study Group, University Children’s Hospital, Paracelsus Medical University).